The following is an entry in ClinVar:

ClinVar aggregate classification (germline): Likely pathogenic (1 of 4 stars; one submission).

Submission:

Mayo Clinic Laboratories, Mayo Clinic
Classification: Likely pathogenic. Last evaluated: 2025-09-11. Review status: criteria provided, single submitter. Criteria: ACMG Guidelines, 2015. Collection method: clinical testing. Allele origin: germline. Observed: 1 variant allele.
Comment: PM2_supporting, PVS1

NM_001267550.2(TTN):c.83192T>A (p.Leu27731Ter)

Genes: TTN (titin; minus strand), TTN-AS1 (TTN antisense RNA 1; plus strand). Cytogenetic location: 2q31.2.
Variant type: single nucleotide variant.
Coding change: c.83192T>A on transcript NM_001267550.2 (MANE Select); coding-DNA position 83192, T replaced by A.
Protein change: p.Leu27731Ter; replaces leucine 27731 with a stop codon.
Molecular consequence: nonsense.
Genome position (GRCh38, 1-based): chr2:178,562,940, A>T on the plus strand (T>A on the coding strand, the complement: TTN is on the minus strand). VCF-style: chr2-178562940-A-T. GRCh37 (hg19) VCF-style: chr2-179427667-A-T.
Other names: p.Leu26090*; c.78269T>A, p.Leu26090Ter (NM_001256850.1); c.55997T>A, p.Leu18666Ter (NM_003319.4); c.75488T>A, p.Leu25163Ter (NM_133378.4); c.56372T>A, p.Leu18791Ter (NM_133432.3); c.56573T>A, p.Leu18858Ter (NM_133437.4); short protein forms L18666*, L25163*, L18858*, L26090*, L27731*, L18791*.
Identifiers: ClinVar variation 4540714 (VCV004540714.1).